The following is an entry in ClinVar:

NM_015559.3(SETBP1):c.3493G>A (p.Gly1165Arg)

Gene: SETBP1 (SET binding protein 1; plus strand). Cytogenetic location: 18q12.3.
Variant type: single nucleotide variant.
Coding change: c.3493G>A on transcript NM_015559.3 (MANE Select); coding-DNA position 3493, G replaced by A.
Protein change: p.Gly1165Arg; replaces glycine 1165 with arginine.
Molecular consequence: missense variant.
Genome position (GRCh38, 1-based): chr18:44,952,833, G>A. VCF-style: chr18-44952833-G-A. GRCh37 (hg19) VCF-style: chr18-42532798-G-A.
Other names: c.3493G>A, p.Gly1165Arg (NM_001379141.1, NM_001379142.1, NM_001410862.1); short protein forms G1165R.
Identifiers: ClinVar variation 3646886 (VCV003646886.2).

ClinVar aggregate classification (germline): Uncertain significance (1 of 4 stars; one submission).

gnomAD v4.1: 2 of 1,614,052 alleles (0.00012%); highest among the groups gnomAD compares: Non-Finnish European, 0.00017%; no homozygotes.

Submission:

Labcorp Genetics (formerly Invitae), Labcorp
Classification: Uncertain significance. Last evaluated: 2024-08-31. Review status: criteria provided, single submitter. Criteria: Invitae Variant Classification Sherloc (09022015). Collection method: clinical testing. Allele origin: germline.
Comment: This sequence change replaces glycine, which is neutral and non-polar, with arginine, which is basic and polar, at codon 1165 of the SETBP1 protein (p.Gly1165Arg). This variant is not present in population databases (gnomAD no frequency). This variant has not been reported in the literature in individuals affected with SETBP1-related conditions. Invitae Evidence Modeling of protein sequence and biophysical properties (such as structural, functional, and spatial information, amino acid conservation, physicochemical variation, residue mobility, and thermodynamic stability) has been performed for this missense variant. However, the output from this modeling did not meet the statistical confidence thresholds required to predict the impact of this variant on SETBP1 protein function. In summary, the available evidence is currently insufficient to determine the role of this variant in disease. Therefore, it has been classified as a Variant of Uncertain Significance.